The following is an entry in ClinVar:

ClinVar aggregate classification (germline): Uncertain significance (1 of 4 stars; one submission).

Submission:

Labcorp Genetics (formerly Invitae), Labcorp
Classification: Uncertain significance. Last evaluated: 2022-02-03. Review status: criteria provided, single submitter. Criteria: Invitae Variant Classification Sherloc (09022015). Collection method: clinical testing. Allele origin: germline.
Comment: This variant is not present in population databases (gnomAD no frequency). This variant has not been reported in the literature in individuals affected with SCP2-related conditions. Algorithms developed to predict the effect of missense changes on protein structure and function are either unavailable or do not agree on the potential impact of this missense change (SIFT: "Deleterious"; PolyPhen-2: "Probably Damaging"; Align-GVGD: "Class C0"). In summary, the available evidence is currently insufficient to determine the role of this variant in disease. Therefore, it has been classified as a Variant of Uncertain Significance. This sequence change replaces methionine, which is neutral and non-polar, with isoleucine, which is neutral and non-polar, at codon 529 of the SCP2 protein (p.Met529Ile).

NM_002979.5(SCP2):c.1587G>C (p.Met529Ile)

Gene: SCP2 (sterol carrier protein 2; plus strand). Cytogenetic location: 1p32.3.
Variant type: single nucleotide variant.
Coding change: c.1587G>C on transcript NM_002979.5 (MANE Select); coding-DNA position 1587, G replaced by C.
Protein change: p.Met529Ile; replaces methionine 529 with isoleucine.
Molecular consequence: missense variant. On other transcripts: 3 prime UTR variant (1).
Genome position (GRCh38, 1-based): chr1:53,050,647, G>C. VCF-style: chr1-53050647-G-C. GRCh37 (hg19) VCF-style: chr1-53516319-G-C.
Other names: c.375G>C, p.Met125Ile (NM_001007099.3); c.366G>C, p.Met122Ile (NM_001007100.3); c.*65G>C (NM_001007250.3); c.1515G>C, p.Met505Ile (NM_001193599.2); c.1455G>C, p.Met485Ile (NM_001193600.2); c.1344G>C, p.Met448Ile (NM_001193617.2); short protein forms M125I, M122I, M505I, M448I, M529I, M485I.
Identifiers: ClinVar variation 1499481 (VCV001499481.8), dbSNP rs2150282509, ClinGen allele CA340382975.